The following is an entry in ClinVar:

ClinVar aggregate classification (germline): Pathogenic/Likely pathogenic. Review status: criteria provided, multiple submitters, no conflicts (2 of 4 stars). 2 submissions from 2 submitters: Pathogenic (1); Likely pathogenic (1). Last evaluated 2025-04-10.

Conditions:
Hereditary cancer-predisposing syndrome. Also called: Tumor predisposition; Hereditary Cancer Syndrome; Neoplastic Syndromes, Hereditary; Hereditary neoplastic syndrome. Identifiers: Orphanet 140162, MedGen C0027672, MeSH D009386, MONDO:0015356.
Hereditary pheochromocytoma and paraganglioma. Also called: Hereditary paragangliomas and pheochromocytomas; Hereditary Paraganglioma-Pheochromocytoma Syndromes; Hereditary pheochromocytoma-paraganglioma. Identifiers: Orphanet 29072, MedGen C4274332, MONDO:0017366.

Submissions (2):

Ambry Genetics
Classification: Pathogenic for Hereditary cancer-predisposing syndrome. Last evaluated: 2025-04-10. Review status: criteria provided, single submitter. Criteria: Ambry Variant Classification Scheme 2023. Collection method: clinical testing. Allele origin: germline.
Comment: The c.304delC pathogenic mutation, located in coding exon 3 of the SDHD gene, results from a deletion of one nucleotide at nucleotide position 304, causing a translational frameshift with a predicted alternate stop codon (p.H102Mfs*33). This alteration occurs at the 3' terminus of theSDHD gene, is not expected to trigger nonsense-mediated mRNA decay, and impacts the last 36% of the protein. However, premature stop codons are typically deleterious in nature and a significant portion of the protein is affected and the impacted region is critical for protein function (Ambry internal data). This variant is considered to be rare based on population cohorts in the Genome Aggregation Database (gnomAD). Based on the supporting evidence, this variant is interpreted as a disease-causing mutation.

Department of Pathology and Laboratory Medicine, Sinai Health System
Classification: Likely pathogenic for hereditary pheochromocytoma-paraganglioma. Last evaluated: 2024-12-30. Review status: criteria provided, single submitter. Criteria: ACMG Guidelines, 2015. Collection method: clinical testing. Allele origin: germline.

NM_003002.4(SDHD):c.304del (p.His102fs)

Gene: SDHD (succinate dehydrogenase complex subunit D; plus strand). Cytogenetic location: 11q23.1.
Variant type: Deletion.
Coding change: c.304del on transcript NM_003002.4 (MANE Select); coding-DNA position 304, one base deleted (C; older notation c.304delC).
Protein change: p.His102fs; shifts the reading frame from histidine 102.
Molecular consequence: frameshift variant. On other transcripts: non-coding transcript variant (1), intron variant (1).
Genome position (GRCh38, 1-based): chr11:112,089,001, C deleted. VCF-style (leftmost placement, unchanged base first): chr11-112089000-TC-T. GRCh37 (hg19) VCF-style: chr11-111959724-TC-T.
Other names: c.304delC (NM_003002.2); c.187del, p.His63fs (NM_001276504.2); c.304del, p.His102fs (NM_001276506.2); c.169+1028del (NM_001276503.2); short protein forms H102fs, H63fs.
Identifiers: ClinVar variation 3780588 (VCV003780588.2).